The following is an entry in ClinVar:

NM_000426.4(LAMA2):c.5727-299G>A

Gene: LAMA2 (laminin subunit alpha 2; plus strand). Cytogenetic location: 6q22.33.
Variant type: single nucleotide variant.
Coding change: c.5727-299G>A on transcript NM_000426.4 (MANE Select); 299 bases into the intron before coding-DNA position 5727, G replaced by A.
Molecular consequence: intron variant.
Genome position (GRCh38, 1-based): chr6:129,403,522, G>A. VCF-style: chr6-129403522-G-A. GRCh37 (hg19) VCF-style: chr6-129724667-G-A.
Other names: c.5727-299G>A (NM_001079823.2).
Identifiers: ClinVar variation 671756 (VCV000671756.1), dbSNP rs4897315, ClinGen allele CA15478572.

ClinVar aggregate classification (germline): Benign (1 of 4 stars; one submission).

Allele frequency attached by ClinVar (database versions not stated): gnomAD 0.50253 and 0.50296; TOPMed 0.50893; 1000 Genomes Project 30x 0.54029; 1000 Genomes Project 0.54073.
gnomAD v4.1: 76,427 of 152,060 alleles (50%); highest among the groups gnomAD compares: African/African-American, 62%; 19,711 homozygotes.

Submission:

GeneDx
Classification: Benign. Last evaluated: 2018-06-18. Review status: criteria provided, single submitter. Criteria: GeneDx Variant Classification (06012015). Collection method: clinical testing. Allele origin: germline. Affected: yes.
Comment: This variant is considered likely benign or benign based on one or more of the following criteria: it is a conservative change, it occurs at a poorly conserved position in the protein, it is predicted to be benign by multiple in silico algorithms, and/or has population frequency not consistent with disease.